The following is an entry in ClinVar:

ClinVar aggregate classification (germline): Uncertain significance (1 of 4 stars; one submission).

Conditions:
Pyogenic bacterial infections due to MyD88 deficiency (IMD68). Also called: PYOGENIC BACTERIAL INFECTIONS, RECURRENT, DUE TO MYD88 DEFICIENCY. Identifiers: Orphanet 183713, MedGen C2677092, MONDO:0012839, OMIM 612260.

Allele frequency attached by ClinVar (database versions not stated): ExAC 0.00003; gnomAD exomes 0.00005 and 0.00001; TOPMed 0.00001; gnomAD 0.00001.
gnomAD v4.1: 22 of 1,614,114 alleles (0.0014%); highest among the groups gnomAD compares: Admixed American, 0.023%; no homozygotes.

Submission:

Labcorp Genetics (formerly Invitae), Labcorp
Classification: Uncertain significance for Pyogenic bacterial infections due to MyD88 deficiency. Last evaluated: 2022-08-16. Review status: criteria provided, single submitter. Criteria: Invitae Variant Classification Sherloc (09022015). Collection method: clinical testing. Allele origin: germline.
Comment: This sequence change replaces aspartic acid, which is acidic and polar, with asparagine, which is neutral and polar, at codon 210 of the MYD88 protein (p.Asp210Asn). This variant is present in population databases (rs775840670, gnomAD 0.04%). This variant has not been reported in the literature in individuals affected with MYD88-related conditions. ClinVar contains an entry for this variant (Variation ID: 1422697). Algorithms developed to predict the effect of missense changes on protein structure and function are either unavailable or do not agree on the potential impact of this missense change (SIFT: "Deleterious"; PolyPhen-2: "Possibly Damaging"; Align-GVGD: "Class C15"). In summary, the available evidence is currently insufficient to determine the role of this variant in disease. Therefore, it has been classified as a Variant of Uncertain Significance.

NM_002468.5(MYD88):c.589G>A (p.Asp197Asn)

Gene: MYD88 (MYD88 innate immune signal transduction adaptor; plus strand). Cytogenetic location: 3p22.2.
Variant type: single nucleotide variant.
Coding change: c.589G>A on transcript NM_002468.5 (MANE Select); coding-DNA position 589, G replaced by A.
Protein change: p.Asp197Asn; replaces aspartic acid 197 with asparagine.
Molecular consequence: missense variant. On other transcripts: intron variant (2).
Genome position (GRCh38, 1-based): chr3:38,140,513, G>A. VCF-style: chr3-38140513-G-A. GRCh37 (hg19) VCF-style: chr3-38182004-G-A.
Other names: c.589G>A, p.Asp197Asn (NM_001172567.2, NM_001365876.1, NM_001374787.1); c.454G>A, p.Asp152Asn (NM_001172568.2, NM_001365877.1); c.464-244G>A (NM_001172569.3); c.329-244G>A (NM_001172566.2); short protein forms D197N, D152N.
Identifiers: ClinVar variation 1422697 (VCV001422697.5), dbSNP rs775840670, ClinGen allele CA2316164.